The following is an entry in ClinVar:

ClinVar aggregate classification (germline): Uncertain significance (1 of 4 stars; one submission).

Allele frequency attached by ClinVar (database versions not stated): gnomAD 0.00003; TOPMed 0.00008.

Submission:

Labcorp Genetics (formerly Invitae), Labcorp
Classification: Uncertain significance. Last evaluated: 2022-12-04. Review status: criteria provided, single submitter. Criteria: Invitae Variant Classification Sherloc (09022015). Collection method: clinical testing. Allele origin: germline.
Comment: This sequence change replaces alanine, which is neutral and non-polar, with proline, which is neutral and non-polar, at codon 1768 of the SBF1 protein (p.Ala1768Pro). This variant is present in population databases (no rsID available, gnomAD 0.003%). This variant has not been reported in the literature in individuals affected with SBF1-related conditions. Algorithms developed to predict the effect of missense changes on protein structure and function (SIFT, PolyPhen-2, Align-GVGD) all suggest that this variant is likely to be tolerated. In summary, the available evidence is currently insufficient to determine the role of this variant in disease. Therefore, it has been classified as a Variant of Uncertain Significance.

NM_002972.4(SBF1):c.5302G>C (p.Ala1768Pro)

Gene: SBF1 (SET binding factor 1; minus strand). Cytogenetic location: 22q13.33.
Variant type: single nucleotide variant.
Coding change: c.5302G>C on transcript NM_002972.4 (MANE Select); coding-DNA position 5302, G replaced by C.
Protein change: p.Ala1768Pro; replaces alanine 1768 with proline.
Molecular consequence: missense variant.
Genome position (GRCh38, 1-based): chr22:50,448,294, C>G on the plus strand (G>C on the coding strand, the complement: SBF1 is on the minus strand). VCF-style: chr22-50448294-C-G. GRCh37 (hg19) VCF-style: chr22-50886723-C-G.
Other names: c.5227G>C, p.Ala1743Pro (NM_001365819.1); c.5305G>C, p.Ala1769Pro (NM_001410794.1); c.5224G>C, p.Ala1742Pro (NM_001410795.1); c.5302G>C, p.Ala1768Pro (NM_197971.1); short protein forms A1769P, A1768P, A1743P, A1742P.
Identifiers: ClinVar variation 2174754 (VCV002174754.3), dbSNP rs939828718, ClinGen allele CA325524673.
Genomic context (GRCh38, chr22:50,448,294, plus strand): 5'-TGTTCTCACTCTCTGCTGTCTGGAACTGGCTGTACAGGGTGCTGGTGCTGCGGCGGGCAG[C>G]CTGACGGGAGCCGGATGTGGTTGAGCCACTACTCTGGTCGCTGTCCAGGCTGAGGCTCAG-3'
Protein context (NP_002963.2, residues 1758-1778): SGSTTSGSRQ[Ala1768Pro]ARRSTSTLYS